The following is an entry in ClinVar:

ClinVar aggregate classification (germline): Uncertain significance. Review status: criteria provided, multiple submitters, no conflicts (2 of 4 stars). 5 submissions from 5 submitters: Uncertain significance (4). 1 of the submissions does not count toward it. Last evaluated 2025-02-01.

Conditions:
Inborn genetic diseases. Identifiers: MedGen C0950123, MeSH D030342.
Intellectual disability. Also called: Intellectual functioning disability; intellectual disabilities; Intellectual developmental disorder. Identifiers: MedGen C3714756, MeSH D008607, MONDO:0001071, HP:0001249.
TH-deficient dopa-responsive dystonia. Also called: Tyrosine Hydroxylase-Deficient Dopa-Responsive Dystonia; Segawa syndrome, autosomal recessive; DYT-TH. Identifiers: Orphanet 101150, MedGen C2673535, MONDO:0011551, OMIM 605407.

Allele frequency attached by ClinVar (database versions not stated): gnomAD 0.00006 and 0.00007; TOPMed 0.00006; ESP Exome Variant Server 0.00008; gnomAD exomes 0.00008.

Submissions (5):

CeGaT Center for Human Genetics Tuebingen
Classification: Uncertain significance. Last evaluated: 2025-02-01. Review status: criteria provided, single submitter. Criteria: CeGaT Center For Human Genetics Tuebingen Variant Classification Criteria Version 2. Collection method: clinical testing. Allele origin: germline. Affected: yes. Observed: 1 variant allele.
Comment: TH: PM2

Labcorp Genetics (formerly Invitae), Labcorp
Classification: Uncertain significance for TH-deficient dopa-responsive dystonia. Last evaluated: 2022-11-03. Review status: criteria provided, single submitter. Criteria: Invitae Variant Classification Sherloc (09022015). Collection method: clinical testing. Allele origin: germline.
Comment: This sequence change replaces threonine, which is neutral and polar, with methionine, which is neutral and non-polar, at codon 8 of the TH protein (p.Thr8Met). This variant is present in population databases (rs373964946, gnomAD 0.02%). This variant has not been reported in the literature in individuals affected with TH-related conditions. ClinVar contains an entry for this variant (Variation ID: 576292). Advanced modeling of protein sequence and biophysical properties (such as structural, functional, and spatial information, amino acid conservation, physicochemical variation, residue mobility, and thermodynamic stability) has been performed at Invitae for this missense variant, however the output from this modeling did not meet the statistical confidence thresholds required to predict the impact of this variant on TH protein function. In summary, the available evidence is currently insufficient to determine the role of this variant in disease. Therefore, it has been classified as a Variant of Uncertain Significance.

Ambry Genetics
Classification: Uncertain significance for Inborn genetic diseases. Last evaluated: 2021-06-11. Review status: criteria provided, single submitter. Criteria: Ambry Variant Classification Scheme 2023. Collection method: clinical testing. Allele origin: germline.

Cambridge Genomics Laboratory, East Genomic Laboratory Hub, NHS Genomic Medicine Service
Classification: Uncertain significance for Intellectual disability. Last evaluated: 2020-03-27. Review status: criteria provided, single submitter. Criteria: ACGS Best Practice Guidelines for Variant Classification in Rare Disease 2020. Collection method: clinical testing. Allele origin: germline. Affected: yes. Observed: 1 variant allele.

Natera, Inc.
Classification: Uncertain significance for Autosomal recessive Segawa syndrome. Last evaluated: 2019-11-11. Review status: no assertion criteria provided. Collection method: clinical testing. Allele origin: germline. Not counted in ClinVar's aggregate classification.

NM_000360.4(TH):c.23C>T (p.Thr8Met)

Gene: TH (tyrosine hydroxylase; minus strand). Cytogenetic location: 11p15.5.
Variant type: single nucleotide variant.
Coding change: c.23C>T on transcript NM_000360.4 (MANE Select); coding-DNA position 23, C replaced by T.
Protein change: p.Thr8Met; replaces threonine 8 with methionine.
Molecular consequence: missense variant.
Genome position (GRCh38, 1-based): chr11:2,171,764, G>A on the plus strand (C>T on the coding strand, the complement: TH is on the minus strand). VCF-style: chr11-2171764-G-A. GRCh37 (hg19) VCF-style: chr11-2192994-G-A.
Other names: c.23C>T, p.Thr8Met (NM_199292.3, NM_199293.3); c.23C>T (NM_000360.3); short protein forms T8M.
Identifiers: ClinVar variation 576292 (VCV000576292.21), dbSNP rs373964946, ClinGen allele CA5818887.